The following is an entry in ClinVar:

NM_000709.4(BCKDHA):c.424G>A (p.Val142Met)

Gene: BCKDHA (branched chain keto acid dehydrogenase E1 subunit alpha; plus strand). Cytogenetic location: 19q13.2.
Variant type: single nucleotide variant.
Coding change: c.424G>A on transcript NM_000709.4 (MANE Select); coding-DNA position 424, G replaced by A.
Protein change: p.Val142Met; replaces valine 142 with methionine.
Molecular consequence: missense variant.
Genome position (GRCh38, 1-based): chr19:41,414,097, G>A. VCF-style: chr19-41414097-G-A. GRCh37 (hg19) VCF-style: chr19-41920002-G-A.
Other names: c.424G>A, p.Val142Met (NM_001164783.2); short protein forms V142M.
Identifiers: ClinVar variation 1399051 (VCV001399051.5), dbSNP rs750226738, ClinGen allele CA9461137.

ClinVar aggregate classification (germline): Uncertain significance (1 of 4 stars; one submission).

Conditions:
Maple syrup urine disease (MSUD). Identifiers: Orphanet 511, MedGen C0024776, MeSH D008375, MONDO:0009563. Disease mechanism: loss of function.

Allele frequency attached by ClinVar (database versions not stated): ExAC 0.00001; gnomAD 0.00001; gnomAD exomes 0.00001 and 0.00002; TOPMed 0.00002.
gnomAD v4.1: 18 of 1,613,632 alleles (0.0011%); highest among the groups gnomAD compares: South Asian, 0.0088%; no homozygotes.

Submission:

Labcorp Genetics (formerly Invitae), Labcorp
Classification: Uncertain significance for Maple syrup urine disease. Last evaluated: 2022-08-16. Review status: criteria provided, single submitter. Criteria: Invitae Variant Classification Sherloc (09022015). Collection method: clinical testing. Allele origin: germline.
Comment: This sequence change replaces valine, which is neutral and non-polar, with methionine, which is neutral and non-polar, at codon 142 of the BCKDHA protein (p.Val142Met). This variant is present in population databases (rs750226738, gnomAD 0.009%). This variant has not been reported in the literature in individuals affected with BCKDHA-related conditions. ClinVar contains an entry for this variant (Variation ID: 1399051). Advanced modeling of protein sequence and biophysical properties (such as structural, functional, and spatial information, amino acid conservation, physicochemical variation, residue mobility, and thermodynamic stability) performed at Invitae indicates that this missense variant is not expected to disrupt BCKDHA protein function. In summary, the available evidence is currently insufficient to determine the role of this variant in disease. Therefore, it has been classified as a Variant of Uncertain Significance.